The following is an entry in ClinVar:

ClinVar aggregate classification (germline): Uncertain significance (1 of 4 stars; one submission).

Conditions:
Bethlem myopathy 1A. Also called: MYOPATHY, BENIGN CONGENITAL, WITH CONTRACTURES; Bethlem myopathy 1; Bethlem Muscular Dystrophy. Identifiers: Orphanet 610, MedGen CN029274, MONDO:0024530, OMIM 158810.

Allele frequency attached by ClinVar (database versions not stated): gnomAD exomes below 0.00001.
gnomAD v4.1: 7 of 1,614,208 alleles (0.00043%); highest among the groups gnomAD compares: Non-Finnish European, 0.00059%; no homozygotes.

Submission:

Labcorp Genetics (formerly Invitae), Labcorp
Classification: Uncertain significance for Bethlem myopathy 1A. Last evaluated: 2022-11-26. Review status: criteria provided, single submitter. Criteria: Invitae Variant Classification Sherloc (09022015). Collection method: clinical testing. Allele origin: germline.
Comment: This sequence change replaces leucine, which is neutral and non-polar, with phenylalanine, which is neutral and non-polar, at codon 2469 of the COL6A3 protein (p.Leu2469Phe). This variant is not present in population databases (gnomAD no frequency). This variant has not been reported in the literature in individuals affected with COL6A3-related conditions. Advanced modeling of protein sequence and biophysical properties (such as structural, functional, and spatial information, amino acid conservation, physicochemical variation, residue mobility, and thermodynamic stability) performed at Invitae indicates that this missense variant is expected to disrupt COL6A3 protein function. In summary, the available evidence is currently insufficient to determine the role of this variant in disease. Therefore, it has been classified as a Variant of Uncertain Significance.

NM_004369.4(COL6A3):c.7405C>T (p.Leu2469Phe)

Gene: COL6A3 (collagen type VI alpha 3 chain; minus strand). Cytogenetic location: 2q37.3.
Variant type: single nucleotide variant.
Coding change: c.7405C>T on transcript NM_004369.4 (MANE Select); coding-DNA position 7405, C replaced by T.
Protein change: p.Leu2469Phe; replaces leucine 2469 with phenylalanine.
Molecular consequence: missense variant.
Genome position (GRCh38, 1-based): chr2:237,344,613, G>A on the plus strand (C>T on the coding strand, the complement: COL6A3 is on the minus strand). VCF-style: chr2-237344613-G-A. GRCh37 (hg19) VCF-style: chr2-238253256-G-A.
Other names: c.5584C>T, p.Leu1862Phe (NM_057166.5); c.6787C>T, p.Leu2263Phe (NM_057167.4); short protein forms L2469F, L1862F, L2263F.
Identifiers: ClinVar variation 2913335 (VCV002913335.3), dbSNP rs1574948231, ClinGen allele CA351203206.
Genomic context (GRCh38, chr2:237,344,613, plus strand): 5'-TCTCCAGACTCTGCTGTTTGGATGTCAGAGCCACCTGAAGGTTCTTAATCTTGTCCAGGA[G>A]GACCGACTTCCTCTTGGAGTCAGCAAACCGGATCTCCGTGGTCACCTCGTTGTTGTAGGT-3'
Protein context (NP_004360.2, residues 2459-2479): RFADSKRKSV[Leu2469Phe]LDKIKNLQVA